The following is an entry in ClinVar:

ClinVar aggregate classification (germline): Uncertain significance (1 of 4 stars; one submission).

Conditions:
POLR1D-related disorder. Also called: POLR1D-related condition.

Submission:

PreventionGenetics, part of Exact Sciences
Classification: Uncertain significance for POLR1D-related condition. Last evaluated: 2026-04-30. Review status: criteria provided, single submitter. Criteria: ACMG Guidelines, 2015. Collection method: clinical testing. Allele origin: germline.
Comment: The POLR1D c.142G>A variant is predicted to result in the amino acid substitution p.Asp48Asn. To our knowledge, this variant has not been reported in the literature or in a large population database (gnomAD), indicating this variant is rare. At this time, the clinical significance of this variant is uncertain due to the absence of conclusive functional and genetic evidence.

NM_015972.4(POLR1D):c.142G>A (p.Asp48Asn)

Genes: POLR1D (RNA polymerase I and III subunit D; plus strand), LOC147380392 (uncharacterized LOC147380392; plus strand). Cytogenetic location: 13q12.2.
Variant type: single nucleotide variant.
Coding change: c.142G>A on transcript NM_015972.4 (MANE Select); coding-DNA position 142, G replaced by A.
Protein change: p.Asp48Asn; replaces aspartic acid 48 with asparagine.
Molecular consequence: missense variant. On other transcripts: intron variant (2).
Genome position (GRCh38, 1-based): chr13:27,622,990, G>A. VCF-style: chr13-27622990-G-A. GRCh37 (hg19) VCF-style: chr13-28197127-G-A.
Other names: c.142G>A, p.Asp48Asn (NM_001374407.1); c.-59+1850G>A (NM_001206559.2); c.26+981G>A (NM_152705.3); short protein forms D48N.
Identifiers: ClinVar variation 4996146 (VCV004996146.1).
Genomic context (GRCh38, chr13:27,622,990, plus strand): 5'-GAAATGGTCCAGGCAGCTGGAACAGATAGACACTGTGTGACATTTGTATTGCACGAGGAA[G>A]ACCATACCCTAGGAAATTCTCTACGTTACATGATCATGAAGAACCCGGAAGTGGAATTTT-3'
Protein context (NP_057056.1, residues 38-58): HCVTFVLHEE[Asp48Asn]HTLGNSLRYM